The following is an entry in ClinVar:

ClinVar aggregate classification (germline): Benign (1 of 4 stars; one submission).

gnomAD v4.1: 3,135 of 1,613,098 alleles (0.19%); highest among the groups gnomAD compares: Middle Eastern, 0.28%; 13 homozygotes.

Submission:

CeGaT Center for Human Genetics Tuebingen
Classification: Benign. Last evaluated: 2025-11-01. Review status: criteria provided, single submitter. Criteria: CeGaT Center For Human Genetics Tuebingen Variant Classification Criteria Version 2. Collection method: clinical testing. Allele origin: germline. Affected: yes. Observed: 1 variant allele.
Comment: UNC79: BP4, BS1, BS2

NM_001395159.1(UNC79):c.525C>T (p.Pro175=)

Gene: UNC79 (unc-79 subunit of NALCN channel complex; plus strand). Cytogenetic location: 14q32.12.
Variant type: single nucleotide variant.
Coding change: c.525C>T on transcript NM_001395159.1 (MANE Select); coding-DNA position 525, C replaced by T.
Protein change: p.Pro175=; no amino-acid change (proline 175 retained).
Molecular consequence: synonymous variant. On other transcripts: 5 prime UTR variant (1).
Genome position (GRCh38, 1-based): chr14:93,477,634, C>T. VCF-style: chr14-93477634-C-T. GRCh37 (hg19) VCF-style: chr14-93943980-C-T.
Other names: c.525C>T, p.Pro175= (NM_001346218.2); c.-7C>T (NM_020818.5).
Identifiers: ClinVar variation 4533616 (VCV004533616.6).